The following is an entry in ClinVar:

NM_001009931.3(HRNR):c.6057T>C (p.His2019=)

Genes: CCDST (cervical cancer associated DHX9 suppressive transcript; plus strand), HRNR (hornerin; minus strand). Cytogenetic location: 1q21.3.
Variant type: single nucleotide variant.
Coding change: c.6057T>C on transcript NM_001009931.3 (MANE Select); coding-DNA position 6057, T replaced by C.
Protein change: p.His2019=; no amino-acid change (histidine 2019 retained).
Molecular consequence: synonymous variant.
Genome position (GRCh38, 1-based): chr1:152,215,572, A>G on the plus strand (T>C on the coding strand, the complement: HRNR is on the minus strand). VCF-style: chr1-152215572-A-G. GRCh37 (hg19) VCF-style: chr1-152188048-A-G.
Identifiers: ClinVar variation 2639203 (VCV002639203.24), dbSNP rs578136582, ClinGen allele CA1100557.

ClinVar aggregate classification (germline): Likely benign (1 of 4 stars; one submission).

Allele frequency attached by ClinVar (database versions not stated): ExAC 0.00001; gnomAD 0.00008; 1000 Genomes Project 30x 0.00203; 1000 Genomes Project 0.00220.

Submission:

CeGaT Center for Human Genetics Tuebingen
Classification: Likely benign. Last evaluated: 2022-12-01. Review status: criteria provided, single submitter. Criteria: CeGaT Center For Human Genetics Tuebingen Variant Classification Criteria Version 2. Collection method: clinical testing. Allele origin: germline. Affected: yes. Observed: 1 variant allele.
Comment: HRNR: BP4, BP7